The following is an entry in ClinVar:

ClinVar aggregate classification (germline): Uncertain significance (1 of 4 stars; one submission).

Submission:

Labcorp Genetics (formerly Invitae), Labcorp
Classification: Uncertain significance. Last evaluated: 2025-08-28. Review status: criteria provided, single submitter. Criteria: Invitae Variant Classification Sherloc (09022015). Collection method: clinical testing. Allele origin: germline.
Comment: This sequence change replaces threonine, which is neutral and polar, with serine, which is neutral and polar, at codon 70 of the TFRC protein (p.Thr70Ser). This variant is not present in population databases (gnomAD no frequency). This variant has not been reported in the literature in individuals affected with TFRC-related conditions. ClinVar contains an entry for this variant (Variation ID: 3689851). An algorithm developed to predict the effect of missense changes on protein structure and function (PolyPhen-2) suggests that this variant is likely to be tolerated. In summary, the available evidence is currently insufficient to determine the role of this variant in disease. Therefore, it has been classified as a Variant of Uncertain Significance.

NM_001128148.3(TFRC):c.208A>T (p.Thr70Ser)

Gene: TFRC (transferrin receptor; minus strand). Cytogenetic location: 3q29.
Variant type: single nucleotide variant.
Coding change: c.208A>T on transcript NM_001128148.3 (MANE Select); coding-DNA position 208, A replaced by T.
Protein change: p.Thr70Ser; replaces threonine 70 with serine.
Molecular consequence: missense variant. On other transcripts: intron variant (2).
Genome position (GRCh38, 1-based): chr3:196,075,189, T>A on the plus strand (A>T on the coding strand, the complement: TFRC is on the minus strand). VCF-style: chr3-196075189-T-A. GRCh37 (hg19) VCF-style: chr3-195802060-T-A.
Other names: c.208A>T, p.Thr70Ser (NM_003234.4); c.-413+1875A>T (NM_001313966.2); c.-5-1064A>T (NM_001313965.2); short protein forms T70S.
Identifiers: ClinVar variation 3689851 (VCV003689851.2).
Genomic context (GRCh38, chr3:196,075,189, plus strand): 5'-AACATTGAAGTTTGGAATGGTCATTCTCACCAATCAAGAAAAAGACGATCACAGCAATAG[T>A]CCCATAGCAGATACTTCCACTACACCTTTTTGGTTTTGTGACATTGGCCTTTGTGTTATT-3'
Protein context (NP_001121620.1, residues 60-80): KRCSGSICYG[Thr70Ser]IAVIVFFLIG